The following is an entry in ClinVar:

ClinVar aggregate classification (germline): Uncertain significance (1 of 4 stars; one submission).

Conditions:
Chuvash polycythemia. Also called: POLYCYTHEMIA, VHL-DEPENDENT. Identifiers: Orphanet 238557, MedGen C1837915, MONDO:0009892, OMIM 263400.
Von Hippel-Lindau syndrome (VHLS). Also called: von Hippel–Lindau syndrome; VHL syndrome; Von Hippel-Lindau. Identifiers: Orphanet 892, MedGen C0019562, MONDO:0008667, OMIM 193300. Disease mechanism: loss of function.

Submission:

Labcorp Genetics (formerly Invitae), Labcorp
Classification: Uncertain significance for Von Hippel-Lindau syndrome; Chuvash polycythemia. Last evaluated: 2025-11-01. Review status: criteria provided, single submitter. Criteria: Invitae Variant Classification Sherloc (09022015). Collection method: clinical testing. Allele origin: germline.
Comment: This sequence change falls in intron 1 of the VHL gene. It is not expected to change the encoded amino acid sequence of the VHL protein. However, this sequence change falls within a cryptic exon in the VHL gene, known as exon E1’, which is naturally expressed at low levels in several human tissues (PMID: 29891534). This variant is not present in population databases (gnomAD no frequency). This variant has not been reported in the literature in individuals affected with VHL-related conditions. Algorithms developed to predict the effect of sequence changes on RNA splicing suggest that this variant is not likely to affect RNA splicing. In summary, the available evidence is currently insufficient to determine the role of this variant in disease. Therefore, it has been classified as a Variant of Uncertain Significance.

Literature cited by the submitters: PubMed 29891534.

NM_000551.4(VHL):c.340+593G>C

Genes: VHL (von Hippel-Lindau tumor suppressor; plus strand), LOC107303340 (3p25 von Hippel-Lindau tumor suppressor, E3 ubiquitin protein ligase Alu-mediated recombination region; plus strand). Cytogenetic location: 3p25.3.
Variant type: single nucleotide variant.
Coding change: c.340+593G>C on transcript NM_000551.4 (MANE Select); 593 bases into the intron after coding-DNA position 340, G replaced by C.
Molecular consequence: intron variant. On other transcripts: missense variant (1), non-coding transcript variant (1).
Genome position (GRCh38, 1-based): chr3:10,142,780, G>C. VCF-style: chr3-10142780-G-C. GRCh37 (hg19) VCF-style: chr3-10184464-G-C.
Other names: c.358G>C, p.Gly120Arg (NM_001354723.2); c.340+593G>C (NM_198156.3); short protein forms G120R.
Identifiers: ClinVar variation 4793844 (VCV004793844.1).